The following is an entry in ClinVar:

NM_003835.4(RGS9):c.1418A>T (p.His473Leu)

Gene: RGS9 (regulator of G protein signaling 9; plus strand). Cytogenetic location: 17q24.1.
Variant type: single nucleotide variant.
Coding change: c.1418A>T on transcript NM_003835.4 (MANE Select); coding-DNA position 1418, A replaced by T.
Protein change: p.His473Leu; replaces histidine 473 with leucine.
Molecular consequence: missense variant.
Genome position (GRCh38, 1-based): chr17:65,225,012, A>T. VCF-style: chr17-65225012-A-T. GRCh37 (hg19) VCF-style: chr17-63221130-A-T.
Other names: c.1409A>T, p.His470Leu (NM_001081955.3); short protein forms H470L, H473L.
Identifiers: ClinVar variation 1503625 (VCV001503625.3), dbSNP rs758153967, ClinGen allele CA8718054.
Genomic context (GRCh38, chr17:65,225,012, plus strand): 5'-GCTGGGGCCATGCAACTCACCACTGAGCTCTCTCCTTTCCTTCTCTACAGCCGGGCCAGC[A>T]CATGGCTCCCAGCCCCCATCTGACCGTGTACACCGGGACCTGCATGCCCCCGTCTCCTTC-3'
Protein context (NP_003826.2, residues 463-483): NTVDITQPGQ[His473Leu]MAPSPHLTVY

ClinVar aggregate classification (germline): Uncertain significance (1 of 4 stars; one submission).

Allele frequency attached by ClinVar (database versions not stated): gnomAD exomes below 0.00001; ExAC 0.00001; TOPMed 0.00002.
gnomAD v4.1: 2 of 1,613,770 alleles (0.00012%); highest among the groups gnomAD compares: Middle Eastern, 0.016%; no homozygotes.

Submission:

Labcorp Genetics (formerly Invitae), Labcorp
Classification: Uncertain significance. Last evaluated: 2022-03-26. Review status: criteria provided, single submitter. Criteria: Invitae Variant Classification Sherloc (09022015). Collection method: clinical testing. Allele origin: germline.
Comment: This sequence change replaces histidine, which is basic and polar, with leucine, which is neutral and non-polar, at codon 473 of the RGS9 protein (p.His473Leu). This variant is present in population databases (rs758153967, gnomAD no frequency). This variant has not been reported in the literature in individuals affected with RGS9-related conditions. Algorithms developed to predict the effect of missense changes on protein structure and function (SIFT, PolyPhen-2, Align-GVGD) all suggest that this variant is likely to be tolerated. In summary, the available evidence is currently insufficient to determine the role of this variant in disease. Therefore, it has been classified as a Variant of Uncertain Significance.